The following is an entry in ClinVar:

NM_002691.4(POLD1):c.2038C>G (p.Pro680Ala)

Gene: POLD1 (DNA polymerase delta 1, catalytic subunit; plus strand). Cytogenetic location: 19q13.33.
Variant type: single nucleotide variant.
Coding change: c.2038C>G on transcript NM_002691.4 (MANE Select); coding-DNA position 2038, C replaced by G.
Protein change: p.Pro680Ala; replaces proline 680 with alanine.
Molecular consequence: missense variant. On other transcripts: non-coding transcript variant (1).
Genome position (GRCh38, 1-based): chr19:50,409,550, C>G. VCF-style: chr19-50409550-C-G. GRCh37 (hg19) VCF-style: chr19-50912807-C-G.
Other names: c.2038C>G, p.Pro680Ala (NM_001256849.1); c.2116C>G, p.Pro706Ala (NM_001308632.1); c.2038C>G (NM_002691.2); short protein forms P680A, P706A.
Identifiers: ClinVar variation 469236 (VCV000469236.13), dbSNP rs1555791989, ClinGen allele CA406982504.

ClinVar aggregate classification (germline): Uncertain significance. Review status: criteria provided, multiple submitters, no conflicts (2 of 4 stars). 4 submissions from 4 submitters: Uncertain significance (4). Last evaluated 2025-05-27.

Conditions:
Hereditary cancer-predisposing syndrome. Also called: Neoplastic Syndromes, Hereditary; Hereditary neoplastic syndrome; Tumor predisposition; Hereditary Cancer Syndrome. Identifiers: Orphanet 140162, MedGen C0027672, MeSH D009386, MONDO:0015356.
POLD1-related polyposis and colorectal cancer syndrome (CRCS10). Also called: Colorectal cancer 10; COLORECTAL CANCER, SUSCEPTIBILITY TO, ON CHROMOSOME 19q; Colorectal cancer, susceptibility to, 10. Identifiers: Orphanet 220460, MedGen C2675481, MONDO:0012953, OMIM 612591.

gnomAD v4.1: 4 of 1,613,504 alleles (0.00025%); highest among the groups gnomAD compares: Non-Finnish European, 0.00034%; no homozygotes.

Submissions (4):

Labcorp Genetics (formerly Invitae), Labcorp
Classification: Uncertain significance for POLD1-related polyposis and colorectal cancer syndrome. Last evaluated: 2025-05-27. Review status: criteria provided, single submitter. Criteria: Invitae Variant Classification Sherloc (09022015). Collection method: clinical testing. Allele origin: germline.
Comment: This sequence change replaces proline, which is neutral and non-polar, with alanine, which is neutral and non-polar, at codon 680 of the POLD1 protein (p.Pro680Ala). This variant is not present in population databases (gnomAD no frequency). This variant has not been reported in the literature in individuals affected with POLD1-related conditions. ClinVar contains an entry for this variant (Variation ID: 469236). Invitae Evidence Modeling of protein sequence and biophysical properties (such as structural, functional, and spatial information, amino acid conservation, physicochemical variation, residue mobility, and thermodynamic stability) indicates that this missense variant is not expected to disrupt POLD1 protein function with a negative predictive value of 80%. In summary, the available evidence is currently insufficient to determine the role of this variant in disease. Therefore, it has been classified as a Variant of Uncertain Significance.

Ambry Genetics
Classification: Uncertain significance for Hereditary cancer-predisposing syndrome. Last evaluated: 2025-05-02. Review status: criteria provided, single submitter. Criteria: Ambry Variant Classification Scheme 2023. Collection method: clinical testing. Allele origin: germline.
Comment: The p.P680A variant (also known as c.2038C>G), located in coding exon 16 of the POLD1 gene, results from a C to G substitution at nucleotide position 2038. The proline at codon 680 is replaced by alanine, an amino acid with highly similar properties. This amino acid position is conserved. In addition, this alteration is predicted to be tolerated by in silico analysis. Since supporting evidence is limited at this time, the clinical significance of this alteration remains unclear.

Blueprint Genetics
Classification: Uncertain significance. Last evaluated: 2023-09-25. Review status: criteria provided, single submitter. Criteria: ACMG Guidelines, 2015. Collection method: clinical testing. Allele origin: germline.

GeneDx
Classification: Uncertain significance. Last evaluated: 2023-01-23. Review status: criteria provided, single submitter. Criteria: GeneDx Variant Classification Process June 2021. Collection method: clinical testing. Allele origin: germline. Affected: yes.
Comment: Not observed at significant frequency in large population cohorts (gnomAD); In silico analysis supports that this missense variant has a deleterious effect on protein structure/function; Has not been previously published as pathogenic or benign to our knowledge; This variant is associated with the following publications: (PMID: 20951805)